The following is an entry in ClinVar:

ClinVar aggregate classification (germline): Conflicting classifications of pathogenicity. Review status: criteria provided, conflicting classifications (1 of 4 stars). 3 submissions from 3 submitters: Pathogenic (1); Likely pathogenic (1); Uncertain significance (1). Last evaluated 2025-07-09.

Conditions:
Hereditary cancer-predisposing syndrome. Also called: Hereditary Cancer Syndrome; Hereditary neoplastic syndrome; Neoplastic Syndromes, Hereditary; Tumor predisposition. Identifiers: Orphanet 140162, MedGen C0027672, MeSH D009386, MONDO:0015356.

Submissions (3):

Ambry Genetics
Classification: Uncertain significance for Hereditary cancer-predisposing syndrome. Last evaluated: 2025-07-09. Review status: criteria provided, single submitter. Criteria: Ambry Variant Classification Scheme 2023. Collection method: clinical testing. Allele origin: germline.
Comment: The c.4337_4338delTG variant, located in coding exon 34 of the POLE gene, results from a deletion of two nucleotides at nucleotide positions 4337 to 4338, causing a translational frameshift with a predicted alternate stop codon (p.V1446Gfs*3). One study detected this alteration in 1/13 sporadic pancreatic neuroendocrine tumors tested with high throughput gene sequencing (Ji S et al. Pancreatology, 2018 Apr;18:318-327). This alteration is expected to result in loss of function by premature protein truncation or nonsense-mediated mRNA decay. Although biallelic loss of function of POLE has been associated with autosomal recessive POLE deficiency, haploinsufficiency of POLE has not been established as a mechanism of disease for POLE-related polymerase proofreading-associated polyposis (PPAP) and POLE-related CMMRD-like syndrome. Based on the supporting evidence, this variant is expected to be causative of POLE deficiency when present along with a second pathogenic variant on the other allele; however, its clinical significance for PPAP and POLE-related CMMRD-like syndrome is unclear.

Labcorp Genetics (formerly Invitae), Labcorp
Classification: Pathogenic. Last evaluated: 2024-10-15. Review status: criteria provided, single submitter. Criteria: Invitae Variant Classification Sherloc (09022015). Collection method: clinical testing. Allele origin: germline.
Comment: This sequence change creates a premature translational stop signal (p.Val1446Glyfs*3) in the POLE gene. It is expected to result in an absent or disrupted protein product. Loss-of-function variants in POLE are known to be pathogenic (PMID: 23230001, 25948378, 30503519). The frequency data for this variant in the population databases is considered unreliable, as metrics indicate poor data quality at this position in the gnomAD database. This premature translational stop signal has been observed in individual(s) with breast cancer (PMID: 28724667). For these reasons, this variant has been classified as Pathogenic.

GeneDx
Classification: Likely pathogenic. Last evaluated: 2024-08-29. Review status: criteria provided, single submitter. Criteria: GeneDx Variant Classification Process June 2021. Collection method: clinical testing. Allele origin: germline. Affected: yes.
Comment: Frameshift variant predicted to result in protein truncation or nonsense mediated decay in a gene for which loss of function is a known mechanism of disease; Not observed at significant frequency in large population cohorts (gnomAD); Identified in individual(s) with breast cancer (PMID: 28724667); This variant is associated with the following publications: (PMID: 30835255, 28724667, 35723313, 29395620)

Literature cited by the submitters: PubMed 29395620 (cited by Ambry Genetics); PubMed 23230001 (cited by Labcorp Genetics (formerly Invitae), Labcorp); PubMed 25948378 (cited by Labcorp Genetics (formerly Invitae), Labcorp); PubMed 30503519 (cited by Labcorp Genetics (formerly Invitae), Labcorp); PubMed 28724667 (cited by Labcorp Genetics (formerly Invitae), Labcorp).

NM_006231.4(POLE):c.4337_4338del (p.Val1446fs)

Gene: POLE (DNA polymerase epsilon, catalytic subunit; minus strand). Cytogenetic location: 12q24.33.
Variant type: Microsatellite.
Coding change: c.4337_4338del on transcript NM_006231.4 (MANE Select); coding-DNA positions 4337 to 4338, 2 bases deleted (TG; older notation c.4337_4338delTG).
Protein change: p.Val1446fs; shifts the reading frame from valine 1446.
Molecular consequence: frameshift variant.
Genome position (GRCh38, 1-based): chr12:132,643,513-132,643,514, CA deleted on the plus strand (TG on the coding strand, the reverse complement: POLE is on the minus strand); deleting any 2 consecutive bases within chr12:132,643,513-132,643,524 gives the same sequence; the c. name uses the placement nearest the transcript's 3' end. VCF-style (leftmost placement, unchanged base first): chr12-132643512-CCA-C. GRCh37 (hg19) VCF-style: chr12-133220098-CCA-C.
Other names: c.4337_4338delTG (NM_006231.2); c.4337_4338del (NM_006231.2); short protein forms V1446fs.
Identifiers: ClinVar variation 405591 (VCV000405591.15), dbSNP rs758487568, ClinGen allele CA6892877.